The following is an entry in ClinVar:

NM_145117.5(NAV2):c.3115C>T (p.Arg1039Ter)

Genes: NAV2 (neuron navigator 2; plus strand), NAV2-AS2 (NAV2 antisense RNA 2; minus strand). Cytogenetic location: 11p15.1.
Variant type: single nucleotide variant.
Coding change: c.3115C>T on transcript NM_145117.5 (MANE Select); coding-DNA position 3115, C replaced by T.
Protein change: p.Arg1039Ter; replaces arginine 1039 with a stop codon.
Molecular consequence: nonsense. On other transcripts: non-coding transcript variant (1).
Genome position (GRCh38, 1-based): chr11:20,044,188, C>T. VCF-style: chr11-20044188-C-T. GRCh37 (hg19) VCF-style: chr11-20065734-C-T.
Other names: c.2923C>T, p.Arg975Ter (NM_001111018.2); c.373C>T, p.Arg125Ter (NM_001111019.3); c.3184C>T, p.Arg1062Ter (NM_001244963.2); c.3115C>T, p.Arg1039Ter (NM_182964.6); short protein forms R1039*, R1062*, R125*, R975*.
Identifiers: ClinVar variation 2633383 (VCV002633383.1), dbSNP rs1427648672, ClinGen allele CA379904057.

ClinVar aggregate classification (germline): Uncertain significance (1 of 4 stars; one submission).

Conditions:
NAV2-related disorder. Also called: NAV2-related condition.

Allele frequency attached by ClinVar (database versions not stated): gnomAD exomes below 0.00001.
gnomAD v4.1: 1 of 1,614,102 alleles (0.000062%); highest among the groups gnomAD compares: Non-Finnish European, 0.000085%; no homozygotes.

Submission:

PreventionGenetics, part of Exact Sciences
Classification: Uncertain significance for NAV2-related condition. Last evaluated: 2023-04-18. Review status: criteria provided, single submitter. Criteria: ACMG Guidelines, 2015. Collection method: clinical testing. Allele origin: germline.
Comment: The NAV2 c.3184C>T variant is predicted to result in premature protein termination (p.Arg1062*). To our knowledge, this variant has not been reported in the literature or in a large population database, indicating this variant is rare. Of note, loss of function variants have not commonly be reported in NAV2. Although we suspect that this variant may be pathogenic, at this time, the clinical significance of this variant is uncertain due to the absence of conclusive functional and genetic evidence.